The following is an entry in ClinVar:

NM_182961.4(SYNE1):c.22516A>G (p.Ser7506Gly)

Gene: SYNE1 (spectrin repeat containing nuclear envelope protein 1; minus strand). Cytogenetic location: 6q25.2.
Variant type: single nucleotide variant.
Coding change: c.22516A>G on transcript NM_182961.4 (MANE Select); coding-DNA position 22516, A replaced by G.
Protein change: p.Ser7506Gly; replaces serine 7506 with glycine.
Molecular consequence: missense variant.
Genome position (GRCh38, 1-based): chr6:152,211,567, T>C on the plus strand (A>G on the coding strand, the complement: SYNE1 is on the minus strand). VCF-style: chr6-152211567-T-C. GRCh37 (hg19) VCF-style: chr6-152532702-T-C.
Other names: p.Ser7435Gly; c.22303A>G, p.Ser7435Gly (NM_033071.5); short protein forms S7435G, S7506G.
Identifiers: ClinVar variation 130422 (VCV000130422.25), dbSNP rs35763277, ClinGen allele CA155413.

ClinVar aggregate classification (germline): Benign. Review status: criteria provided, multiple submitters, no conflicts (2 of 4 stars). 10 submissions from 9 submitters: Benign (6). 4 of the submissions do not count toward it. Last evaluated 2026-02-02.

Conditions:
Emery-Dreifuss muscular dystrophy 4, autosomal dominant (EDMD4). Also called: EMERY-DREIFUSS MUSCULAR DYSTROPHY 4 WITH VARIABLE FEATURES. Identifiers: Orphanet 261, MedGen C2751807, MONDO:0013071, OMIM 612998.
Autosomal recessive ataxia, Beauce type. Also called: SYNE1-Related Autosomal Recessive Cerebellar Ataxia; ATAXIA, RECESSIVE, OF BEAUCE; Spinocerebellar ataxia, autosomal recessive 8; SYNE1 Deficiency. Identifiers: Orphanet 88644, MedGen C1853116, MONDO:0012549, OMIM 610743.

Allele frequency attached by ClinVar (database versions not stated): 1000 Genomes Project 30x 0.00437; 1000 Genomes Project 0.00459; gnomAD exomes 0.01268 and 0.01591; gnomAD 0.01123 and 0.01174; ESP Exome Variant Server 0.01269; TOPMed 0.00978; ExAC 0.01371.
gnomAD v4.1: 24,765 of 1,613,628 alleles (1.5%); highest among the groups gnomAD compares: Non-Finnish European, 1.8%; 268 homozygotes.

Submissions (10):

Labcorp Genetics (formerly Invitae), Labcorp
Classification: Benign for Emery-Dreifuss muscular dystrophy 4, autosomal dominant; Autosomal recessive ataxia, Beauce type. Last evaluated: 2026-02-02. Review status: criteria provided, single submitter. Criteria: Invitae Variant Classification Sherloc (09022015). Collection method: clinical testing. Allele origin: germline.

Athena Diagnostics
Classification: Benign. Last evaluated: 2024-04-03. Review status: criteria provided, single submitter. Criteria: Athena Diagnostics Criteria. Collection method: clinical testing. Allele origin: unknown.

Mayo Clinic Laboratories, Mayo Clinic
Classification: Benign. Last evaluated: 2018-06-12. Review status: criteria provided, single submitter. Criteria: ACMG Guidelines, 2015. Collection method: clinical testing. Allele origin: germline. Observed: 27 variant alleles.

Illumina Laboratory Services, Illumina
Classification: Benign for Autosomal recessive ataxia, Beauce type. Last evaluated: 2018-01-13. Review status: criteria provided, single submitter. Criteria: ICSL Variant Classification Criteria 13 December 2019. Collection method: clinical testing. Allele origin: germline.
Comment: This variant was observed in the ICSL laboratory as part of a predisposition screen in an ostensibly healthy population. It had not been previously curated by ICSL or reported in the Human Gene Mutation Database (HGMD: prior to June 1st, 2018), and was therefore a candidate for classification through an automated scoring system. Utilizing variant allele frequency, disease prevalence and penetrance estimates, and inheritance mode, an automated score was calculated to assess if this variant is too frequent to cause the disease. Based on the score and internal cut-off values, a variant classified as benign is not then subjected to further curation. The score for this variant resulted in a classification of benign for this disease.

Illumina Laboratory Services, Illumina
Classification: Benign for Emery-Dreifuss muscular dystrophy 4, autosomal dominant. Last evaluated: 2018-01-13. Review status: criteria provided, single submitter. Criteria: ICSL Variant Classification Criteria 13 December 2019. Collection method: clinical testing. Allele origin: germline.
Comment: the same text as in the submission from Illumina Laboratory Services, Illumina above.

GeneDx
Classification: Benign. Last evaluated: 2016-03-12. Review status: criteria provided, single submitter. Criteria: GeneDx Variant Classification (06012015). Collection method: clinical testing. Allele origin: germline. Affected: yes.
Comment: This variant is considered likely benign or benign based on one or more of the following criteria: it is a conservative change, it occurs at a poorly conserved position in the protein, it is predicted to be benign by multiple in silico algorithms, and/or has population frequency not consistent with disease.

Clinical Genetics DNA and cytogenetics Diagnostics Lab, Erasmus MC, Erasmus Medical Center
Classification: Likely benign. Review status: no assertion criteria provided. Collection method: clinical testing. Allele origin: germline. Affected: yes. Study: VKGL Data-share Consensus. Not counted in ClinVar's aggregate classification.

Genetic Services Laboratory, University of Chicago
Classification: Likely benign for AllHighlyPenetrant. Review status: no assertion criteria provided. Collection method: clinical testing. Allele origin: germline. Inheritance: Autosomal dominant inheritance. Not counted in ClinVar's aggregate classification.
Comment: Likely benign based on allele frequency in 1000 Genomes Project or ESP global frequency and its presence in a patient with a rare or unrelated disease phenotype. NOT Sanger confirmed.

Genome Diagnostics Laboratory, University Medical Center Utrecht
Classification: Benign. Review status: no assertion criteria provided. Collection method: clinical testing. Allele origin: germline. Affected: yes. Study: VKGL Data-share Consensus. Not counted in ClinVar's aggregate classification.

Joint Genome Diagnostic Labs from Nijmegen and Maastricht, Radboudumc and MUMC+
Classification: Likely benign. Review status: no assertion criteria provided. Collection method: clinical testing. Allele origin: germline. Affected: yes. Study: VKGL Data-share Consensus. Not counted in ClinVar's aggregate classification.